The following is an entry in ClinVar:

ClinVar aggregate classification (germline): Conflicting classifications of pathogenicity. Review status: criteria provided, conflicting classifications (1 of 4 stars). 4 submissions from 4 submitters: Likely pathogenic (1); Uncertain significance (1). 2 of the submissions do not count toward it. Last evaluated 2024-01-01.

Conditions:
NDUFAF5-related disorder. Also called: NDUFAF5-related condition.
Mitochondrial complex I deficiency, nuclear type 16. Also called: Mitochondrial complex 1 deficiency, nuclear type 16. Identifiers: MedGen C4748785, MONDO:0032621, OMIM 618238.
Leigh syndrome (NULS). Also called: Leigh's syndrome; Leigh Syndrome (mtDNA deletion); Leigh Disease; Subacute necrotizing encephalopathy; Necrotizing encephalopathy infantile subacute of Leigh; LEIGH SYNDROME, NUCLEAR. Identifiers: Orphanet 506, MedGen C2931891, MONDO:0009723, OMIM 256000.

Allele frequency attached by ClinVar (database versions not stated): ExAC 0.00002; gnomAD exomes 0.00002 and 0.00010; gnomAD 0.00005 and 0.00006; TOPMed 0.00005.
gnomAD v4.1: 151 of 1,608,000 alleles (0.0094%); highest among the groups gnomAD compares: Non-Finnish European, 0.012%; no homozygotes.

Submissions (7):

Baylor Genetics
Classification: Likely pathogenic for Mitochondrial complex I deficiency, nuclear type 16. Last evaluated: 2024-01-01. Review status: criteria provided, single submitter. Criteria: ACMG Guidelines, 2015. Collection method: clinical testing. Allele origin: unknown.

GeneDx
Classification: Uncertain significance. Last evaluated: 2020-07-10. Review status: criteria provided, single submitter. Criteria: GeneDx Variant Classification Process June 2021. Collection method: clinical testing. Allele origin: germline. Affected: yes.
Comment: In silico analysis supports a deleterious effect on splicing; Not observed at a significant frequency in large population cohorts (Lek et al., 2016); Has not been previously published as pathogenic or benign to our knowledge

PreventionGenetics, part of Exact Sciences
Classification: Uncertain significance for NDUFAF5-related condition. Last evaluated: 2024-07-26. Review status: no assertion criteria provided. Collection method: clinical testing. Allele origin: germline. Not counted in ClinVar's aggregate classification.
Comment: The NDUFAF5 c.480-3T>G variant is predicted to interfere with splicing. This variant is predicted to disrupt the nearest acceptor site (spliceAI and Alamut v1.6.1). This variant was reported in a compound heterozygous state in two individuals with Leigh syndrome or suspected mitochondrial disorder (Legro et al 2022. PubMed ID: 34797029; Schon KR et al 2021. PubMed ID: 34732400). This variant is reported in 0.0054% of alleles in individuals of European (Non-Finnish) descent in gnomAD . At this time, the clinical significance of this variant is uncertain due to the absence of conclusive functional and genetic evidence.

Natera, Inc.
Classification: Uncertain significance for Leigh syndrome. Last evaluated: 2020-09-04. Review status: no assertion criteria provided. Collection method: clinical testing. Allele origin: germline. Not counted in ClinVar's aggregate classification.

Dr. Peter K. Rogan Lab, Western University
No classification provided (evidence only). Condition: Thymoma. Review status: no classification provided. Collection method: in vitro. Allele origin: not applicable. Functional consequence: skipped exon. Not counted in ClinVar's aggregate classification.

Dr. Peter K. Rogan Lab, Western University
No classification provided (evidence only). Condition: Ovarian serous cystadenocarcinoma. Review status: no classification provided. Collection method: in vitro. Allele origin: not applicable. Functional consequence: retained intron. Not counted in ClinVar's aggregate classification.

Dr. Peter K. Rogan Lab, Western University
No classification provided (evidence only). Condition: Adrenocortical carcinoma, hereditary. Review status: no classification provided. Collection method: in vitro. Allele origin: not applicable. Functional consequence: skipped exon, retained intron. Not counted in ClinVar's aggregate classification.

NM_024120.5(NDUFAF5):c.480-3T>G

Gene: NDUFAF5 (NADH:ubiquinone oxidoreductase complex assembly factor 5; plus strand). Cytogenetic location: 20p12.1.
Variant type: single nucleotide variant.
Coding change: c.480-3T>G on transcript NM_024120.5 (MANE Select); 3 bases into the intron before coding-DNA position 480, T replaced by G.
Molecular consequence: intron variant.
Genome position (GRCh38, 1-based): chr20:13,798,458, T>G. VCF-style: chr20-13798458-T-G. GRCh37 (hg19) VCF-style: chr20-13779104-T-G.
Other names: NC_000020.10:g.13779104T>G; c.480-3T>G (NM_024120.4, NM_001352408.2); c.-82-3T>G (NM_001352407.2, NM_001352406.2); c.396-3T>G (NM_001039375.3); c.9-3T>G (NM_001352403.2).
Identifiers: ClinVar variation 991366 (VCV000991366.7), dbSNP rs749288299, ClinGen allele CA9767782.